The following is an entry in ClinVar:

NM_080605.4(B3GALT6):c.77T>C (p.Leu26Pro)

Gene: B3GALT6 (beta-1,3-galactosyltransferase 6; plus strand). Cytogenetic location: 1p36.33.
Variant type: single nucleotide variant.
Coding change: c.77T>C on transcript NM_080605.4 (MANE Select); coding-DNA position 77, T replaced by C.
Protein change: p.Leu26Pro; replaces leucine 26 with proline.
Molecular consequence: missense variant.
Genome position (GRCh38, 1-based): chr1:1,232,355, T>C. VCF-style: chr1-1232355-T-C. GRCh37 (hg19) VCF-style: chr1-1167735-T-C.
Other names: short protein forms L26P.
Identifiers: ClinVar variation 498895 (VCV000498895.14), dbSNP rs1553151166, ClinGen allele CA337822218.

ClinVar aggregate classification (germline): Uncertain significance. Review status: criteria provided, multiple submitters, no conflicts (2 of 4 stars). 3 submissions from 3 submitters: Uncertain significance (3). Last evaluated 2024-09-23.

Conditions:
Spondyloepimetaphyseal dysplasia with joint laxity (SEMDJL). Identifiers: MedGen C0432243, MONDO:0019675.
Ehlers-Danlos syndrome, spondylodysplastic type, 2 (EDSSPD2). Also called: Ehlers-Danlos syndrome, progeroid type, 2. Identifiers: Orphanet 536467, Orphanet 75496, MedGen C3809210, MONDO:0014139, OMIM 615349.

Submissions (3):

Labcorp Genetics (formerly Invitae), Labcorp
Classification: Uncertain significance for Ehlers-Danlos syndrome, spondylodysplastic type, 2; Spondyloepimetaphyseal dysplasia with joint laxity. Last evaluated: 2024-09-23. Review status: criteria provided, single submitter. Criteria: Invitae Variant Classification Sherloc (09022015). Collection method: clinical testing. Allele origin: germline.
Comment: This sequence change replaces leucine, which is neutral and non-polar, with proline, which is neutral and non-polar, at codon 26 of the B3GALT6 protein (p.Leu26Pro). The frequency data for this variant in the population databases is considered unreliable, as metrics indicate insufficient coverage at this position in the gnomAD database. This missense change has been observed in individual(s) with clinical features of spondyloepimetaphyseal dysplasia with joint laxity (PMID: 29931299). ClinVar contains an entry for this variant (Variation ID: 498895). An algorithm developed to predict the effect of missense changes on protein structure and function (PolyPhen-2) suggests that this variant is likely to be tolerated. In summary, the available evidence is currently insufficient to determine the role of this variant in disease. Therefore, it has been classified as a Variant of Uncertain Significance.

3billion
Classification: Uncertain significance for Ehlers-Danlos syndrome, spondylodysplastic type, 2. Last evaluated: 2022-05-22. Review status: criteria provided, single submitter. Criteria: ACMG Guidelines, 2015. Collection method: clinical testing. Allele origin: germline. Affected: yes. Observed: 1 homozygote.
Comment: The variant is not observed in the gnomAD v2.1.1 dataset. Missense changes are a common disease-causing mechanism. In silico tool predictions suggest no damaging effect of the variant on gene or gene product (REVEL: 0.12; 3Cnet: 0.02). Same nucleotide change resulting in same amino acid change has been previously reported to be associated with B3GALT6 related disorder (PMID: 29931299). However, the evidence of pathogenicity is insufficient at this time. Therefore, this variant is classified as uncertain significanceaccording to the recommendation of ACMG/AMP guideline.

Eurofins Ntd Llc (ga)
Classification: Uncertain significance. Last evaluated: 2017-01-18. Review status: criteria provided, single submitter. Criteria: EGL Classification Definitions 2015. Collection method: clinical testing. Allele origin: germline. Observed: 1 variant allele, 1 homozygote.

Literature cited by the submitters: PubMed 29931299 (cited by Labcorp Genetics (formerly Invitae), Labcorp and 3billion).